The following is an entry in ClinVar:

ClinVar aggregate classification (germline): Conflicting classifications of pathogenicity. Review status: criteria provided, conflicting classifications (1 of 4 stars). 5 submissions from 5 submitters: Uncertain significance (4); Benign (1). Last evaluated 2026-09-18.

Conditions:
Familial thoracic aortic aneurysm and aortic dissection (TAAD). Also called: Thoracic aortic aneurysms and dissections. Identifiers: Orphanet 91387, MedGen C4707243, MONDO:0019625.
Marfan syndrome (MFS). Also called: Marfan syndrome type 1; Marfan's syndrome; Marfan syndrome, classic; MARFAN SYNDROME, TYPE I; FBN1-Related Marfan Syndrome. Identifiers: Orphanet 284963, Orphanet 558, MedGen C0024796, MONDO:0007947, OMIM 154700.
MASS syndrome (OCTD). Also called: MASS PHENOTYPE; OVERLAP CONNECTIVE TISSUE DISEASE. Identifiers: MedGen C1858556, MONDO:0011431, OMIM 604308.
Acromicric dysplasia (ACMICD). Also called: Acromicric skeletal dysplasia. Identifiers: Orphanet 969, MedGen C0265287, MONDO:0007055, OMIM 102370.
Geleophysic dysplasia 2 (GPHYSD2). Identifiers: Orphanet 2623, MedGen C3280054, MONDO:0013612, OMIM 614185.
Ectopia lentis 1, isolated, autosomal dominant (ECTOL1). Identifiers: Orphanet 1885, MedGen C3541518, MONDO:0007514, OMIM 129600.
Stiff skin syndrome (SSKS). Identifiers: Orphanet 2833, MedGen C1861456, MONDO:0008492, OMIM 184900.
Progeroid and marfanoid aspect-lipodystrophy syndrome. Also called: MARFANOID-PROGEROID-LIPODYSTROPHY SYNDROME; MARFANOID-PROGEROID SYNDROME; MARFAN-PROGEROID-LIPODYSTROPHY SYNDROME; Marfan lipodystrophy syndrome. Identifiers: Orphanet 300382, MedGen C4310796, MONDO:0014831, OMIM 616914.
Weill-Marchesani syndrome 2, dominant. Also called: Weill-Marchesani Syndrome, Autosomal Dominant; FBN1-Related Weill-Marchesani Syndrome. Identifiers: Orphanet 2084, MedGen C1869115, MONDO:0012013, OMIM 608328.

Allele frequency attached by ClinVar (database versions not stated): gnomAD exomes 0.00001 and below 0.00001; gnomAD 0.00003 and 0.00004; TOPMed 0.00007; ExAC 0.00002.
gnomAD v4.1: 10 of 1,614,030 alleles (0.00062%); highest among the groups gnomAD compares: African/African-American, 0.0093%; no homozygotes.

Submissions (5):

GeneDx
Classification: Uncertain significance. Last evaluated: 2026-09-18. Review status: criteria provided, single submitter. Criteria: GeneDx Variant Classification Process June 2021. Collection method: clinical testing. Allele origin: germline.
Comment: Has not been previously published as pathogenic or benign to our knowledge; Not observed at significant frequency in large population cohorts (gnomAD); In silico analysis supports that this missense variant has a deleterious effect on protein structure/function; This variant is associated with the following publications: (PMID: 12938084)

Ambry Genetics
Classification: Uncertain significance for Familial thoracic aortic aneurysm and aortic dissection. Last evaluated: 2025-12-15. Review status: criteria provided, single submitter. Criteria: Ambry Variant Classification Scheme 2023. Collection method: clinical testing. Allele origin: germline.

Labcorp Genetics (formerly Invitae), Labcorp
Classification: Benign for Marfan syndrome; Familial thoracic aortic aneurysm and aortic dissection. Last evaluated: 2022-12-06. Review status: criteria provided, single submitter. Criteria: Invitae Variant Classification Sherloc (09022015). Collection method: clinical testing. Allele origin: germline.

Fulgent Genetics
Classification: Uncertain significance for Acromicric dysplasia; Ectopia lentis 1, isolated, autosomal dominant; Marfan syndrome; Stiff skin syndrome; MASS syndrome; Weill-Marchesani syndrome 2, dominant; Geleophysic dysplasia 2; Progeroid and marfanoid aspect-lipodystrophy syndrome. Last evaluated: 2021-09-01. Review status: criteria provided, single submitter. Criteria: ACMG Guidelines, 2015. Collection method: clinical testing. Allele origin: unknown.

Eurofins Ntd Llc (ga)
Classification: Uncertain significance. Last evaluated: 2015-11-25. Review status: criteria provided, single submitter. Criteria: EGL Classification Definitions 2015. Collection method: clinical testing. Allele origin: germline. Observed: 1 variant allele, 1 heterozygote.

NM_000138.5(FBN1):c.980G>C (p.Arg327Thr)

Gene: FBN1 (fibrillin 1; minus strand). Cytogenetic location: 15q21.1.
Variant type: single nucleotide variant.
Coding change: c.980G>C on transcript NM_000138.5 (MANE Select); coding-DNA position 980, G replaced by C.
Protein change: p.Arg327Thr; replaces arginine 327 with threonine.
Molecular consequence: missense variant.
Genome position (GRCh38, 1-based): chr15:48,526,138, C>G on the plus strand (G>C on the coding strand, the complement: FBN1 is on the minus strand). VCF-style: chr15-48526138-C-G. GRCh37 (hg19) VCF-style: chr15-48818335-C-G.
Other names: short protein forms R327T.
Identifiers: ClinVar variation 284953 (VCV000284953.20), dbSNP rs775206410, ClinGen allele CA060463.